The following is an entry in ClinVar:

NM_002691.4(POLD1):c.2656del (p.Glu886fs)

Gene: POLD1 (DNA polymerase delta 1, catalytic subunit; plus strand). Cytogenetic location: 19q13.33.
Variant type: Deletion.
Coding change: c.2656del on transcript NM_002691.4 (MANE Select); coding-DNA position 2656, one base deleted (G; older notation c.2656delG).
Protein change: p.Glu886fs; shifts the reading frame from glutamic acid 886.
Molecular consequence: frameshift variant. On other transcripts: non-coding transcript variant (1).
Genome position (GRCh38, 1-based): chr19:50,415,529, G deleted; the last of 2 consecutive G bases (chr19:50,415,528-50,415,529); deleting either gives the same sequence. VCF-style (leftmost placement, unchanged base first): chr19-50415527-AG-A. GRCh37 (hg19) VCF-style: chr19-50918784-AG-A.
Other names: c.2656del, p.Glu886fs (NM_001256849.1); c.2734del, p.Glu912fs (NM_001308632.1); short protein forms E912fs, E886fs.
Identifiers: ClinVar variation 1419044 (VCV001419044.8), dbSNP rs2122475948, ClinGen allele CA2573156741.

ClinVar aggregate classification (germline): Uncertain significance (1 of 4 stars; one submission).

Conditions:
POLD1-related polyposis and colorectal cancer syndrome (CRCS10). Also called: Colorectal cancer, susceptibility to, 10; Colorectal cancer 10; COLORECTAL CANCER, SUSCEPTIBILITY TO, ON CHROMOSOME 19q. Identifiers: Orphanet 220460, MedGen C2675481, MONDO:0012953, OMIM 612591.

Submission:

Labcorp Genetics (formerly Invitae), Labcorp
Classification: Uncertain significance for POLD1-related polyposis and colorectal cancer syndrome. Last evaluated: 2025-01-28. Review status: criteria provided, single submitter. Criteria: Invitae Variant Classification Sherloc (09022015). Collection method: clinical testing. Allele origin: germline.
Comment: This sequence change creates a premature translational stop signal (p.Glu886Serfs*2) in the POLD1 gene. Missense variants that disrupt the 3'-5' exonuclease (proof-reading) activity of the POLD1 protein are associated with PPAP (polymerase proofreading–associated polyposis) (PMID: 23263490, 23447401). However, loss-of-function variants that result in an absent or severely disrupted POLD1 protein, and missense variants outside the exonuclease domain, are unlikely to be associated with PPAP. This variant is not present in population databases (gnomAD no frequency). This variant has not been reported in the literature in individuals affected with POLD1-related conditions. ClinVar contains an entry for this variant (Variation ID: 1419044). In summary, the available evidence is currently insufficient to determine the role of this variant in disease. Therefore, it has been classified as a Variant of Uncertain Significance.

Literature cited by the submitters: PubMed 23263490; PubMed 23447401.